The following is an entry in ClinVar:

ClinVar aggregate classification (germline): Uncertain significance (1 of 4 stars; one submission).

Conditions:
Peroxisome biogenesis disorder. Identifiers: Orphanet 79189, MedGen C1832200, MONDO:0019234. Disease mechanism: loss of function.

Submission:

Labcorp Genetics (formerly Invitae), Labcorp
Classification: Uncertain significance for Peroxisome biogenesis disorder. Last evaluated: 2021-08-14. Review status: criteria provided, single submitter. Criteria: Invitae Variant Classification Sherloc (09022015). Collection method: clinical testing. Allele origin: germline.
Comment: This sequence change replaces leucine with phenylalanine at codon 591 of the PEX6 protein (p.Leu591Phe). The leucine residue is weakly conserved and there is a small physicochemical difference between leucine and phenylalanine. This variant is not present in population databases (ExAC no frequency). This variant has not been reported in the literature in individuals affected with PEX6-related conditions. Algorithms developed to predict the effect of missense changes on protein structure and function are either unavailable or do not agree on the potential impact of this missense change (SIFT: "Tolerated"; PolyPhen-2: "Probably Damaging"; Align-GVGD: "Class C0"). In summary, the available evidence is currently insufficient to determine the role of this variant in disease. Therefore, it has been classified as a Variant of Uncertain Significance.

NM_000287.4(PEX6):c.1771C>T (p.Leu591Phe)

Gene: PEX6 (peroxisomal biogenesis factor 6; minus strand). Cytogenetic location: 6p21.1.
Variant type: single nucleotide variant.
Coding change: c.1771C>T on transcript NM_000287.4 (MANE Select); coding-DNA position 1771, C replaced by T.
Protein change: p.Leu591Phe; replaces leucine 591 with phenylalanine.
Molecular consequence: missense variant. On other transcripts: non-coding transcript variant (1).
Genome position (GRCh38, 1-based): chr6:42,967,481, G>A on the plus strand (C>T on the coding strand, the complement: PEX6 is on the minus strand). VCF-style: chr6-42967481-G-A. GRCh37 (hg19) VCF-style: chr6-42935219-G-A.
Other names: c.1507C>T, p.Leu503Phe (NM_001316313.2); short protein forms L591F, L503F.
Identifiers: ClinVar variation 1362641 (VCV001362641.5), dbSNP rs2114242669, ClinGen allele CA364153674.